The following is an entry in ClinVar:

ClinVar aggregate classification (germline): Benign/Likely benign. Review status: criteria provided, multiple submitters, no conflicts (2 of 4 stars). 4 submissions from 4 submitters: Benign (1); Likely benign (2). 1 of the submissions does not count toward it. Last evaluated 2026-05-04.

Conditions:
Colorectal cancer, hereditary nonpolyposis, type 7. Identifiers: Orphanet 144, MedGen C1858380, MONDO:0013725, OMIM 614385.
MLH3-related disorder. Also called: MLH3-related condition.

Allele frequency attached by ClinVar (database versions not stated): gnomAD exomes below 0.00001 and 0.00001; gnomAD 0.00003 and 0.00002; 1000 Genomes Project 0.00020; ExAC 0.00001; TOPMed 0.00005; 1000 Genomes Project 30x 0.00016.

Submissions (4):

Myriad Genetics, Inc.
Classification: Benign for Colorectal cancer, hereditary nonpolyposis, type 7. Last evaluated: 2026-05-04. Review status: criteria provided, single submitter. Criteria: Myriad Autosomal Dominant, Autosomal Recessive and X-Linked Classification Criteria (2023). Collection method: clinical testing. Allele origin: unknown.
Comment: This variant is considered benign. This variant is a silent/synonymous amino acid change and it is not expected to impact splicing.

Labcorp Genetics (formerly Invitae), Labcorp
Classification: Likely benign for Colorectal cancer, hereditary nonpolyposis, type 7. Last evaluated: 2025-04-03. Review status: criteria provided, single submitter. Criteria: Invitae Variant Classification Sherloc (09022015). Collection method: clinical testing. Allele origin: germline.

Ambry Genetics
Classification: Likely benign. Last evaluated: 2022-03-16. Review status: criteria provided, single submitter. Criteria: Ambry Variant Classification Scheme 2023. Collection method: clinical testing. Allele origin: germline.

PreventionGenetics, part of Exact Sciences
Classification: Likely benign for MLH3-related condition. Last evaluated: 2022-12-14. Review status: no assertion criteria provided. Collection method: clinical testing. Allele origin: germline. Not counted in ClinVar's aggregate classification.
Comment: This variant is classified as likely benign based on ACMG/AMP sequence variant interpretation guidelines (Richards et al. 2015 PMID: 25741868, with internal and published modifications).

NM_001040108.2(MLH3):c.2166C>T (p.His722=)

Gene: MLH3 (mutL homolog 3; minus strand). Cytogenetic location: 14q24.3.
Variant type: single nucleotide variant.
Coding change: c.2166C>T on transcript NM_001040108.2 (MANE Select); coding-DNA position 2166, C replaced by T.
Protein change: p.His722=; no amino-acid change (histidine 722 retained).
Molecular consequence: synonymous variant.
Genome position (GRCh38, 1-based): chr14:75,047,490, G>A on the plus strand (C>T on the coding strand, the complement: MLH3 is on the minus strand). VCF-style: chr14-75047490-G-A. GRCh37 (hg19) VCF-style: chr14-75514193-G-A.
Other names: c.2166C>T, p.His722= (NM_014381.3).
Identifiers: ClinVar variation 697990 (VCV000697990.14), dbSNP rs186533894, ClinGen allele CA7275746.